The following is an entry in ClinVar:

NM_000400.4(ERCC2):c.755C>A (p.Thr252Asn)

Gene: ERCC2 (ERCC excision repair 2, TFIIH core complex helicase subunit; minus strand). Cytogenetic location: 19q13.32.
Variant type: single nucleotide variant.
Coding change: c.755C>A on transcript NM_000400.4 (MANE Select); coding-DNA position 755, C replaced by A.
Protein change: p.Thr252Asn; replaces threonine 252 with asparagine.
Molecular consequence: missense variant.
Genome position (GRCh38, 1-based): chr19:45,364,295, G>T on the plus strand (C>A on the coding strand, the complement: ERCC2 is on the minus strand). VCF-style: chr19-45364295-G-T. GRCh37 (hg19) VCF-style: chr19-45867553-G-T.
Other names: c.683C>A, p.Thr228Asn (NM_001130867.2); short protein forms T252N, T228N.
Identifiers: ClinVar variation 2561090 (VCV002561090.2), dbSNP rs1972342009, ClinGen allele CA406374172.
Genomic context (GRCh38, chr19:45,364,295, plus strand): 5'-CTGAGCACCGTCTTCTGCAGGGTCTCCAGGTTGCCCTGGCACCGGTCAAGGGTCCGGCGG[G>T]TGAGGTTGACGCTCATGGAGTCGATGCAGACGTTGTCTGGAGAAGGGGGAGAGAGCCGGC-3'
Protein context (NP_000391.1, residues 242-262): VCIDSMSVNL[Thr252Asn]RRTLDRCQGN

ClinVar aggregate classification (germline): Uncertain significance (1 of 4 stars; one submission).

Conditions:
Inborn genetic diseases. Identifiers: MedGen C0950123, MeSH D030342.

Submission:

Ambry Genetics
Classification: Uncertain significance for Inborn genetic diseases. Last evaluated: 2023-05-15. Review status: criteria provided, single submitter. Criteria: Ambry Variant Classification Scheme 2023. Collection method: clinical testing. Allele origin: germline.
Comment: The p.T252N variant (also known as c.755C>A), located in coding exon 9 of the ERCC2 gene, results from a C to A substitution at nucleotide position 755. The threonine at codon 252 is replaced by asparagine, an amino acid with similar properties. This amino acid position is conserved. In addition, this alteration is predicted to be tolerated by in silico analysis. Since supporting evidence is limited at this time, the clinical significance of this alteration remains unclear.